The following is an entry in ClinVar:

NM_001173464.2(KIF21A):c.2660C>T (p.Ala887Val)

Gene: KIF21A (kinesin family member 21A; minus strand). Cytogenetic location: 12q12.
Variant type: single nucleotide variant.
Coding change: c.2660C>T on transcript NM_001173464.2 (MANE Select); coding-DNA position 2660, C replaced by T.
Protein change: p.Ala887Val; replaces alanine 887 with valine.
Molecular consequence: missense variant.
Genome position (GRCh38, 1-based): chr12:39,332,935, G>A on the plus strand (C>T on the coding strand, the complement: KIF21A is on the minus strand). VCF-style: chr12-39332935-G-A. GRCh37 (hg19) VCF-style: chr12-39726737-G-A.
Other names: NC_000012.11:g.39726737G>A; c.2621C>T, p.Ala874Val (NM_001173463.2, NM_001378441.1, NM_017641.4); c.2552C>T, p.Ala851Val (NM_001173465.2); c.2660C>T, p.Ala887Val (NM_001378439.1, NM_001378440.1); short protein forms A874V, A851V, A887V.
Identifiers: ClinVar variation 881050 (VCV000881050.5), dbSNP rs145318959, ClinGen allele CA6510741.
Genomic context (GRCh38, chr12:39,332,935, plus strand): 5'-GAACAGAATTATGTAGACCTGTTTCCATTTGTTGCCGGCGTTGGTAAGGCCTGGACTCTC[G>A]CCACAGGAATTCTCATTTTCTGCTGGGCTCCTGTCCTTGATGCATCTGTTTCGACAGCAG-3'
Protein context (NP_001166935.1, residues 877-897): GAQQKMRIPV[Ala887Val]RVQALPTPAT

ClinVar aggregate classification (germline): Benign (1 of 4 stars; one submission).

Conditions:
Congenital fibrosis of extraocular muscles type 1. Also called: OPHTHALMOPLEGIA, CONGENITAL; FEOM1 LOCUS; BLEPHAROPTOSIS WITH ABSENT EYE MOVEMENTS; CFEOM3B. Identifiers: MedGen C1851102, MONDO:0021083, OMIM 135700.

Allele frequency attached by ClinVar (database versions not stated): gnomAD exomes 0.00024 and 0.00031; gnomAD 0.00027; TOPMed 0.00024; ESP Exome Variant Server 0.00015; ExAC 0.00026.
gnomAD v4.1: 493 of 1,613,954 alleles (0.031%); highest among the groups gnomAD compares: Non-Finnish European, 0.037%; no homozygotes.

Submissions (4):

Illumina Laboratory Services, Illumina
Classification: Benign for Congenital fibrosis of extraocular muscles type 1. Last evaluated: 2018-01-12. Review status: criteria provided, single submitter. Criteria: ICSL Variant Classification Criteria 13 December 2019. Collection method: clinical testing. Allele origin: germline.
Comment: This variant was observed in the ICSL laboratory as part of a predisposition screen in an ostensibly healthy population. It had not been previously curated by ICSL or reported in the Human Gene Mutation Database (HGMD: prior to June 1st, 2018), and was therefore a candidate for classification through an automated scoring system. Utilizing variant allele frequency, disease prevalence and penetrance estimates, and inheritance mode, an automated score was calculated to assess if this variant is too frequent to cause the disease. Based on the score and internal cut-off values, a variant classified as benign is not then subjected to further curation. The score for this variant resulted in a classification of benign for this disease.

Dr. Peter K. Rogan Lab, Western University
No classification provided (evidence only). Condition: Papillary renal cell carcinoma type 1. Review status: no classification provided. Collection method: in vitro. Allele origin: not applicable. Functional consequence: retained intron. Not counted in ClinVar's aggregate classification.

Dr. Peter K. Rogan Lab, Western University
No classification provided (evidence only). Condition: Melanoma. Review status: no classification provided. Collection method: in vitro. Allele origin: not applicable. Functional consequence: retained intron. Not counted in ClinVar's aggregate classification.

Dr. Peter K. Rogan Lab, Western University
No classification provided (evidence only). Condition: Nonpapillary renal cell carcinoma. Review status: no classification provided. Collection method: in vitro. Allele origin: not applicable. Functional consequence: retained intron. Not counted in ClinVar's aggregate classification.